The following is an entry in ClinVar:

NM_001323289.2(CDKL5):c.2197_2204dup (p.Arg735fs)

Gene: CDKL5 (cyclin dependent kinase like 5; plus strand). Cytogenetic location: Xp22.13.
Variant type: Duplication.
Coding change: c.2197_2204dup on transcript NM_001323289.2 (MANE Select); coding-DNA positions 2197 to 2204, 8 bases duplicated (TCAACTAG; older notation c.2197_2204dupTCAACTAG).
Protein change: p.Arg735fs; shifts the reading frame from arginine 735.
Molecular consequence: frameshift variant.
Genome position (GRCh38, 1-based): chrX:18,613,196-18,613,203, TCAACTAG duplicated; duplicating any 8 consecutive bases within chrX:18,613,195-18,613,203 gives the same sequence; the c. name uses the placement nearest the transcript's 3' end. VCF-style (leftmost placement, unchanged base first): chrX-18613194-T-TGTCAACTA. GRCh37 (hg19) VCF-style: chrX-18631314-T-TGTCAACTA.
Other names: c.2197_2204dup, p.Arg735fs (NM_001037343.2, NM_003159.3); short protein forms R735fs.
Identifiers: ClinVar variation 857515 (VCV000857515.12), dbSNP rs1926617807, ClinGen allele CA916083847.
Genomic context (GRCh38, chrX:18,613,194, plus strand): 5'-TACTTTTTCTTTATTCAGTGCCATCTCCACGTCCAGACAATTCTTTCCATGAAAATAATG[T>TGTCAACTA]GTCAACTAGAGTTTCTTCTCTACCATCAGAGAGCAGTTCTGGAACCAACCACTCAAAAAG-3'

ClinVar aggregate classification (germline): Pathogenic (1 of 4 stars; one submission).

Conditions:
Developmental and epileptic encephalopathy, 2 (DEE2). Also called: INFANTILE SPASM SYNDROME, X-LINKED 2; CDKL5 deficiency disorder. Identifiers: Orphanet 1934, Orphanet 3451, Orphanet 505652, MedGen C4750718, MONDO:0010396, OMIM 300672.
Angelman syndrome-like. Identifiers: MedGen CN128785.

Submission:

Labcorp Genetics (formerly Invitae), Labcorp
Classification: Pathogenic for Developmental and epileptic encephalopathy, 2; Angelman syndrome-like. Last evaluated: 2019-12-15. Review status: criteria provided, single submitter. Criteria: Invitae Variant Classification Sherloc (09022015). Collection method: clinical testing. Allele origin: germline.
Comment: For these reasons, this variant has been classified as Pathogenic. Loss-of-function variants in CDKL5 are known to be pathogenic (PMID: 22872100). Algorithms developed to predict the effect of sequence changes on RNA splicing suggest that this variant may create or strengthen a splice site, but this prediction has not been confirmed by published transcriptional studies. This variant has not been reported in the literature in individuals with CDKL5-related conditions. This variant is not present in population databases (ExAC no frequency). This sequence change creates a premature translational stop signal (p.Arg735Serfs*52) in the CDKL5 gene. It is expected to result in an absent or disrupted protein product.

Literature cited by the submitters: PubMed 22872100.